The following is an entry in ClinVar:

ClinVar aggregate classification (germline): Uncertain significance (1 of 4 stars; one submission).

gnomAD v4.1: 28 of 1,607,796 alleles (0.0017%); highest among the groups gnomAD compares: African/African-American, 0.017%; no homozygotes.

Submission:

GeneDx
Classification: Uncertain significance. Last evaluated: 2022-03-15. Review status: criteria provided, single submitter. Criteria: GeneDx Variant Classification Process June 2021. Collection method: clinical testing. Allele origin: germline. Affected: yes.
Comment: In silico analysis supports that this missense variant does not alter protein structure/function; Has not been previously published as pathogenic or benign to our knowledge

NM_153676.4(USH1C):c.2696G>A (p.Arg899His)

Gene: USH1C (USH1 protein network component harmonin; minus strand). Cytogenetic location: 11p15.1.
Variant type: single nucleotide variant.
Coding change: c.2696G>A on transcript NM_153676.4 (MANE Select); coding-DNA position 2696, G replaced by A.
Protein change: p.Arg899His; replaces arginine 899 with histidine.
Molecular consequence: missense variant. On other transcripts: 3 prime UTR variant (2), non-coding transcript variant (1).
Genome position (GRCh38, 1-based): chr11:17,494,336, C>T on the plus strand (G>A on the coding strand, the complement: USH1C is on the minus strand). VCF-style: chr11-17494336-C-T. GRCh37 (hg19) VCF-style: chr11-17515883-C-T.
Other names: c.*28G>A (NM_001297764.2, NM_005709.4); short protein forms R899H.
Identifiers: ClinVar variation 1706397 (VCV001706397.2), dbSNP rs148376296, ClinGen allele CA5904042.